The following is an entry in ClinVar:

ClinVar aggregate classification (germline): Uncertain significance. Review status: criteria provided, multiple submitters, no conflicts (2 of 4 stars). 3 submissions from 3 submitters: Uncertain significance (3). Last evaluated 2025-05-19.

Conditions:
Immunodeficiency 104. Also called: Severe combined immunodeficiency, autosomal recessive, T cell-negative, B cell-positive, NK cell-positive; Severe Combined Immune Deficiency, Autosomal Recessive, TCell -Negative, B Cell-Positive, NK Cell-Positive, IL7R-Related; IMMUNODEFICIENCY 104, SEVERE COMBINED; SCID, AUTOSOMAL RECESSIVE, T CELL-NEGATIVE, B CELL-POSITIVE, NK CELL-POSITIVE. Identifiers: MedGen C5676890, MONDO:0012163, OMIM 608971.
Inborn genetic diseases. Identifiers: MedGen C0950123, MeSH D030342.

Allele frequency attached by ClinVar (database versions not stated): ExAC 0.00007; ESP Exome Variant Server 0.00008; gnomAD 0.00008 and 0.00009; gnomAD exomes 0.00009; TOPMed 0.00009.
gnomAD v4.1: 154 of 1,610,866 alleles (0.0096%); highest among the groups gnomAD compares: Non-Finnish European, 0.009%; no homozygotes.

Submissions (3):

Ambry Genetics
Classification: Uncertain significance for Inborn genetic diseases. Last evaluated: 2025-05-19. Review status: criteria provided, single submitter. Criteria: Ambry Variant Classification Scheme 2023. Collection method: clinical testing. Allele origin: germline.

Blueprint Genetics
Classification: Uncertain significance. Last evaluated: 2022-07-13. Review status: criteria provided, single submitter. Criteria: ACMG Guidelines, 2015. Collection method: clinical testing. Allele origin: germline.

Labcorp Genetics (formerly Invitae), Labcorp
Classification: Uncertain significance for Immunodeficiency 104. Last evaluated: 2022-03-31. Review status: criteria provided, single submitter. Criteria: Invitae Variant Classification Sherloc (09022015). Collection method: clinical testing. Allele origin: germline.
Comment: This sequence change replaces phenylalanine, which is neutral and non-polar, with leucine, which is neutral and non-polar, at codon 736 of the PTPRC protein (p.Phe736Leu). This variant is present in population databases (rs139089055, gnomAD 0.1%). This variant has not been reported in the literature in individuals affected with PTPRC-related conditions. ClinVar contains an entry for this variant (Variation ID: 649200). Algorithms developed to predict the effect of missense changes on protein structure and function are either unavailable or do not agree on the potential impact of this missense change (SIFT: "Deleterious"; PolyPhen-2: "Probably Damaging"; Align-GVGD: "Class C15"). In summary, the available evidence is currently insufficient to determine the role of this variant in disease. Therefore, it has been classified as a Variant of Uncertain Significance.

NM_002838.5(PTPRC):c.2208C>G (p.Phe736Leu)

Gene: PTPRC (protein tyrosine phosphatase receptor type C; plus strand). Cytogenetic location: 1q32.1.
Variant type: single nucleotide variant.
Coding change: c.2208C>G on transcript NM_002838.5 (MANE Select); coding-DNA position 2208, C replaced by G.
Protein change: p.Phe736Leu; replaces phenylalanine 736 with leucine.
Molecular consequence: missense variant.
Genome position (GRCh38, 1-based): chr1:198,734,356, C>G. VCF-style: chr1-198734356-C-G. GRCh37 (hg19) VCF-style: chr1-198703485-C-G.
Other names: c.2202C>G (NM_002838.3); c.1725C>G, p.Phe575Leu (NM_080921.4); short protein forms F736L, F575L.
Identifiers: ClinVar variation 649200 (VCV000649200.9), dbSNP rs139089055, ClinGen allele CA1315042.